The following is an entry in ClinVar:

NM_018907.4(PCDHA4):c.216A>G (p.Gly72=)

Genes: PCDHA1 (protocadherin alpha 1; plus strand), PCDHA2 (protocadherin alpha 2; plus strand), PCDHA3 (protocadherin alpha 3; plus strand), PCDHA4 (protocadherin alpha 4; plus strand), PCDHA@ (protocadherin alpha cluster, complex locus; plus strand). Cytogenetic location: 5q31.3.
Variant type: single nucleotide variant.
Coding change: c.216A>G on transcript NM_018907.4 (MANE Select); coding-DNA position 216, A replaced by G.
Protein change: p.Gly72=; no amino-acid change (glycine 72 retained).
Molecular consequence: synonymous variant. On other transcripts: intron variant (4).
Genome position (GRCh38, 1-based): chr5:140,807,403, A>G. VCF-style: chr5-140807403-A-G. GRCh37 (hg19) VCF-style: chr5-140186988-A-G.
Other names: c.216A>G, p.Gly72= (NM_031500.3); c.2394+18719A>G (NM_018900.4); c.1602+19511A>G (NM_031411.3); c.2388+10051A>G (NM_018905.3); c.2394+3812A>G (NM_018906.3).
Identifiers: ClinVar variation 4534035 (VCV004534035.6).

ClinVar aggregate classification (germline): Likely benign (1 of 4 stars; one submission).

gnomAD v4.1: 44 of 1,410,564 alleles (0.0031%); highest among the groups gnomAD compares: Admixed American, 0.014%; 2 homozygotes.

Submission:

CeGaT Center for Human Genetics Tuebingen
Classification: Likely benign. Last evaluated: 2025-10-01. Review status: criteria provided, single submitter. Criteria: CeGaT Center For Human Genetics Tuebingen Variant Classification Criteria Version 2. Collection method: clinical testing. Allele origin: germline. Affected: yes. Observed: 1 variant allele.
Comment: PCDHA4: BP4, BP7